The following is an entry in ClinVar:

ClinVar aggregate classification (germline): Uncertain significance. Review status: criteria provided, multiple submitters, no conflicts (2 of 4 stars). 2 submissions from 2 submitters: Uncertain significance (2). Last evaluated 2025-05-29.

Conditions:
Inborn genetic diseases. Identifiers: MedGen C0950123, MeSH D030342.

Allele frequency attached by ClinVar (database versions not stated): TOPMed below 0.00001; gnomAD exomes below 0.00001; gnomAD 0.00001.

Submissions (2):

Ambry Genetics
Classification: Uncertain significance for Inborn genetic diseases. Last evaluated: 2025-05-29. Review status: criteria provided, single submitter. Criteria: Ambry Variant Classification Scheme 2023. Collection method: clinical testing. Allele origin: germline.
Comment: The p.F1328V variant (also known as c.3982T>G), located in coding exon 14 of the FANCM gene, results from a T to G substitution at nucleotide position 3982. The phenylalanine at codon 1328 is replaced by valine, an amino acid with highly similar properties. This amino acid position is conserved. In addition, this alteration is predicted to be tolerated by in silico analysis. Based on the available evidence, the clinical significance of this variant remains unclear.

GeneDx
Classification: Uncertain significance. Last evaluated: 2024-02-02. Review status: criteria provided, single submitter. Criteria: GeneDx Variant Classification Process June 2021. Collection method: clinical testing. Allele origin: germline.
Comment: Not observed at significant frequency in large population cohorts (gnomAD); In silico analysis supports that this missense variant does not alter protein structure/function; Has not been previously published as pathogenic or benign to our knowledge

NM_020937.4(FANCM):c.3982T>G (p.Phe1328Val)

Gene: FANCM (FA complementation group M; plus strand). Cytogenetic location: 14q21.2.
Variant type: single nucleotide variant.
Coding change: c.3982T>G on transcript NM_020937.4 (MANE Select); coding-DNA position 3982, T replaced by G.
Protein change: p.Phe1328Val; replaces phenylalanine 1328 with valine.
Molecular consequence: missense variant.
Genome position (GRCh38, 1-based): chr14:45,176,736, T>G. VCF-style: chr14-45176736-T-G. GRCh37 (hg19) VCF-style: chr14-45645939-T-G.
Other names: c.3904T>G, p.Phe1302Val (NM_001308133.2); short protein forms F1302V, F1328V.
Identifiers: ClinVar variation 2413013 (VCV002413013.4), dbSNP rs1888732510, ClinGen allele CA389603830.